The following is an entry in ClinVar:

NM_001039958.2(MESP2):c.558_580del (p.Gly187fs)

Gene: MESP2 (mesoderm posterior bHLH transcription factor 2; plus strand). Cytogenetic location: 15q26.1.
Variant type: Deletion.
Coding change: c.558_580del on transcript NM_001039958.2 (MANE Select); coding-DNA positions 558 to 580, 23 bases deleted (GGGGCAGGGGCAAGGGCAGGGGC).
Protein change: p.Gly187fs; shifts the reading frame from glycine 187.
Molecular consequence: frameshift variant.
Genome position (GRCh38, 1-based): chr15:89,776,915-89,776,937, GGGGCAGGGGCAAGGGCAGGGGC deleted. VCF-style (leftmost placement, unchanged base first): chr15-89776914-AGGGGCAGGGGCAAGGGCAGGGGC-A. GRCh37 (hg19) VCF-style: chr15-90320145-AGGGGCAGGGGCAAGGGCAGGGGC-A.
Other names: c.558_580del23 (NM_001039958.2); short protein forms G187fs.
Identifiers: ClinVar variation 4887099 (VCV004887099.1).
Genomic context (GRCh38, chr15:89,776,914, plus strand): 5'-CCGACCGTGGCCCCGCAGAGGCGCAGACGCAGGCGGAGGGGCAGGGGCAAGGGCAGGGGC[AGGGGCAGGGGCAAGGGCAGGGGC>A]AAGGACAGGGGCAAGGACAGGGGCAAGGGCAGGGGCGCAGGCCGGGCCTGGTCTCCGCCG-3'

ClinVar aggregate classification (germline): Uncertain significance (1 of 4 stars; one submission).

Submission:

Women's Health and Genetics/Laboratory Corporation of America, LabCorp
Classification: Uncertain significance. Last evaluated: 2026-06-22. Review status: criteria provided, single submitter. Criteria: LabCorp Variant Classification Summary - May 2015. Collection method: clinical testing. Allele origin: germline.
Comment: Variant summary: MESP2 c.558_580del23 (p.Gly187ArgfsX172) results in a premature termination codon in the last exon, predicted to cause a truncation of the encoded protein, however nonsense mediated decay is not expected to occur. The variant was absent in 56674 control chromosomes. The available data on variant occurrences in the general population are insufficient to allow any conclusion about variant significance. To our knowledge, no occurrence of c.558_580del23 in individuals affected with MESP2-related conditions and no experimental evidence demonstrating its impact on protein function have been reported. No submitters have cited clinical-significance assessments for this variant to ClinVar. Based on the evidence outlined above, the variant was classified as uncertain significance.